The following is an entry in ClinVar:

ClinVar aggregate classification (germline): Uncertain significance (1 of 4 stars; one submission).

Conditions:
MKKS-related disorder. Also called: MKKS-related disorders; MKKS-related condition.

gnomAD v4.1: 11 of 1,613,772 alleles (0.00068%); highest among the groups gnomAD compares: Non-Finnish European, 0.00093%; no homozygotes.

Submission:

PreventionGenetics, part of Exact Sciences
Classification: Uncertain significance for MKKS-related condition. Last evaluated: 2025-06-13. Review status: criteria provided, single submitter. Criteria: ACMG Guidelines, 2015. Collection method: clinical testing. Allele origin: germline.
Comment: The MKKS c.967C>T variant is predicted to result in the amino acid substitution p.Pro323Ser. To our knowledge, this variant has not been reported in the literature or in a large population database (gnomAD), indicating this variant is rare. At this time, the clinical significance of this variant is uncertain due to the absence of conclusive functional and genetic evidence.

NM_170784.3(MKKS):c.967C>T (p.Pro323Ser)

Gene: MKKS (MKKS centrosomal shuttling protein; minus strand). Cytogenetic location: 20p12.2.
Variant type: single nucleotide variant.
Coding change: c.967C>T on transcript NM_170784.3 (MANE Select); coding-DNA position 967, C replaced by T.
Protein change: p.Pro323Ser; replaces proline 323 with serine.
Molecular consequence: missense variant.
Genome position (GRCh38, 1-based): chr20:10,412,548, G>A on the plus strand (C>T on the coding strand, the complement: MKKS is on the minus strand). VCF-style: chr20-10412548-G-A. GRCh37 (hg19) VCF-style: chr20-10393196-G-A.
Other names: c.967C>T, p.Pro323Ser (NM_018848.3); short protein forms P323S.
Identifiers: ClinVar variation 4997811 (VCV004997811.1).
Genomic context (GRCh38, chr20:10,412,548, plus strand): 5'-ATTTATTAACTGTAAGAGGCAAAAGCAAAGAGTGATTTTTACCTGTCATTTTAGTCAGGG[G>A]TTCCATCAGAGTCACTCCAATTCTGTCTATGGCAATAATACGATGCATATTGAGAAACTG-3'
Protein context (NP_740754.1, residues 313-333): IDRIGVTLME[Pro323Ser]LTKMTGTQPI